The following is an entry in ClinVar:

ClinVar aggregate classification (germline): Uncertain significance (1 of 4 stars; one submission).

Allele frequency attached by ClinVar (database versions not stated): gnomAD exomes below 0.00001; TOPMed 0.00002; ESP Exome Variant Server 0.00008.
gnomAD v4.1: 1 of 1,612,790 alleles (0.000062%); highest among the groups gnomAD compares: Non-Finnish European, 0.000085%; no homozygotes.

Submission:

Labcorp Genetics (formerly Invitae), Labcorp
Classification: Uncertain significance. Last evaluated: 2022-02-10. Review status: criteria provided, single submitter. Criteria: Invitae Variant Classification Sherloc (09022015). Collection method: clinical testing. Allele origin: germline.
Comment: ClinVar contains an entry for this variant (Variation ID: 938571). This variant has not been reported in the literature in individuals affected with RPS20-related conditions. The frequency data for this variant in the population databases is considered unreliable, as metrics indicate poor data quality at this position in the gnomAD database. This sequence change falls in intron 3 of the RPS20 gene. It does not directly change the encoded amino acid sequence of the RPS20 protein. It affects a nucleotide within the consensus splice site. Variants that disrupt the consensus splice site are a relatively common cause of aberrant splicing (PMID: 17576681, 9536098). Algorithms developed to predict the effect of sequence changes on RNA splicing suggest that this variant is not likely to affect RNA splicing. In summary, the available evidence is currently insufficient to determine the role of this variant in disease. Therefore, it has been classified as a Variant of Uncertain Significance.

Literature cited by the submitters: PubMed 17576681; PubMed 9536098.

NM_001023.4(RPS20):c.177+6G>A

Gene: RPS20 (ribosomal protein S20; minus strand). Cytogenetic location: 8q12.1.
Variant type: single nucleotide variant.
Coding change: c.177+6G>A on transcript NM_001023.4 (MANE Select); 6 bases into the intron after coding-DNA position 177, G replaced by A.
Molecular consequence: intron variant.
Genome position (GRCh38, 1-based): chr8:56,073,689, C>T on the plus strand (G>A on the coding strand, the complement: RPS20 is on the minus strand). VCF-style: chr8-56073689-C-T. GRCh37 (hg19) VCF-style: chr8-56986248-C-T.
Other names: c.177+6G>A (NM_001146227.3).
Identifiers: ClinVar variation 938571 (VCV000938571.7), dbSNP rs374198719, ClinGen allele CA177249481.